The following is an entry in ClinVar:

ClinVar aggregate classification (germline): Likely pathogenic (1 of 4 stars; one submission).

Conditions:
Hereditary cancer-predisposing syndrome. Also called: Tumor predisposition; Hereditary Cancer Syndrome; Hereditary neoplastic syndrome; Neoplastic Syndromes, Hereditary. Identifiers: Orphanet 140162, MedGen C0027672, MeSH D009386, MONDO:0015356.

Submissions (2):

Ambry Genetics
Classification: Likely pathogenic for Hereditary cancer-predisposing syndrome. Last evaluated: 2019-09-27. Review status: criteria provided, single submitter. Criteria: Ambry Variant Classification Scheme 2023. Collection method: clinical testing. Allele origin: germline.
Comment: The c.211A>T variant (also known as p.R71W), located in coding exon 3 of the BRCA1 gene, results from an A to T substitution at nucleotide position 211. The arginine at codon 71 is replaced by tryptophan, an amino acid with dissimilar properties. One functional study found that c.211A>T is deleterious in a high throughput genome editing haploid cell survival assay (Findlay GM et al. Nature, 2018 10;562:217-222). A similar alteration affecting this same nucleotide, c.211A>G, has been reported in numerous breast and ovarian cancer patients and families (Villarreal-Garza C et al. Breast Cancer Res. Treat. 2015 Apr;150:389-94; Janavi&egrave;ius R. EPMA J. 2010 Sep;1:397-412; Diez O et al. Int. J. Cancer. 1999 Nov;83:465-9; Rebbeck TR et al. Breast Cancer Res. 2016 Nov;18(1):112; Alvarez C et al. Oncotarget, 2017 Sep;8:74233-74243; Yang XR et al. Breast Cancer Res. Treat. 2017 Oct;165(3):687-697; Cotrim DP et al. BMC Cancer, 2019 Jan;19:4) and was observed to result in aberrant splicing, including exon 5 skipping, due to the use of a cryptic splice donor site (Sanz DJ et al. Clin. Cancer Res. 2010 Mar;16:1957-67; Houdayer C et al. Hum. Mutat. 2012 Aug;33:1228-38). Using the BDGP and ESEfinder splice site prediction tools, c.211A>T is predicted to have the same impact on splicing as c.211A>G and is predicted to weaken the efficiency of the native splice donor site; however, direct evidence is unavailable. Based on the majority of available evidence to date, this variant is likely to be pathogenic.

Brotman Baty Institute, University of Washington
No classification provided (evidence only). Condition: Breast-ovarian cancer, familial 1. Review status: no classification provided. Collection method: in vitro. Allele origin: not applicable. Functional consequence: functionally_abnormal. Not counted in ClinVar's aggregate classification.
ClinVar note: "not provided" was previously submitted as the classification for the variant. However, the classification appeared to be based only on an observation of functional data so it was converted to no classification on 2025-07-30.

Literature cited by the submitters: PubMed 30209399 (cited by Ambry Genetics).

NM_007294.4(BRCA1):c.211A>T (p.Arg71Trp)

Gene: BRCA1 (BRCA1 DNA repair associated; minus strand). Cytogenetic location: 17q21.31.
Variant type: single nucleotide variant.
Coding change: c.211A>T on transcript NM_007294.4 (MANE Select); coding-DNA position 211, A replaced by T.
Protein change: p.Arg71Trp; replaces arginine 71 with tryptophan.
Molecular consequence: missense variant.
Genome position (GRCh38, 1-based): chr17:43,106,457, T>A on the plus strand (A>T on the coding strand, the complement: BRCA1 is on the minus strand). VCF-style: chr17-43106457-T-A. GRCh37 (hg19) VCF-style: chr17-41258474-T-A.
Other names: c.211A>T, p.Arg71Trp (NM_001407581.1, NM_001407582.1, NM_001407583.1 and 168 more transcripts); c.70A>T, p.Arg24Trp (NM_001407692.1, NM_001407694.1, NM_001407695.1 and 99 more transcripts); short protein forms R71W, R24W.
Identifiers: ClinVar variation 867340 (VCV000867340.5), dbSNP rs80357382, ClinGen allele CA10601746.
Genomic context (GRCh38, chr17:43,106,457, plus strand): 5'-ATTTCTACTTTTTCCTACTGTGGTTGCTTCCAACCTAGCATCATTACCAAATTATATACC[T>A]TTTGGTTATATCATTCTTACATAAAGGACACTGTGAAGGCCCTTTCTTCTGGTTGAGAAG-3'
Protein context (NP_009225.1, residues 61-81): CPLCKNDITK[Arg71Trp]SLQESTRFSQ